The following is an entry in ClinVar:

NM_000051.4(ATM):c.6643A>G (p.Ser2215Gly)

Genes: ATM (ATM serine/threonine kinase; plus strand), C11orf65 (chromosome 11 open reading frame 65; minus strand). Cytogenetic location: 11q22.3.
Variant type: single nucleotide variant.
Coding change: c.6643A>G on transcript NM_000051.4 (MANE Select); coding-DNA position 6643, A replaced by G.
Protein change: p.Ser2215Gly; replaces serine 2215 with glycine.
Molecular consequence: missense variant. On other transcripts: intron variant (2).
Genome position (GRCh38, 1-based): chr11:108,325,380, A>G. VCF-style: chr11-108325380-A-G. GRCh37 (hg19) VCF-style: chr11-108196107-A-G.
Other names: p.S2215G:AGT>GGT; c.6643A>G, p.Ser2215Gly (NM_001351834.2); c.641-16309T>C (NM_001330368.2); c.*38+9840T>C (NM_001351110.2); short protein forms S2215G.
Identifiers: ClinVar variation 181883 (VCV000181883.15), dbSNP rs730881312, ClinGen allele CA298031.

ClinVar aggregate classification (germline): Uncertain significance. Review status: criteria provided, multiple submitters, no conflicts (2 of 4 stars). 3 submissions from 3 submitters: Uncertain significance (3). Last evaluated 2024-10-03.

Conditions:
Hereditary cancer-predisposing syndrome. Also called: Hereditary Cancer Syndrome; Tumor predisposition; Neoplastic Syndromes, Hereditary; Hereditary neoplastic syndrome. Identifiers: Orphanet 140162, MedGen C0027672, MeSH D009386, MONDO:0015356.
Ataxia-telangiectasia syndrome (AT). Also called: ATAXIA-TELANGIECTASIA, COMPLEMENTATION GROUP A; ATAXIA-TELANGIECTASIA, FRESNO VARIANT; Ataxia-telangiectasia; Ataxia-telangiectasia, complementation group E; Cerebello-oculocutaneous telangiectasia; Immunodeficiency with ataxia telangiectasia. Identifiers: Orphanet 100, MedGen C0004135, MONDO:0008840, OMIM 208900.

Submissions (3):

Labcorp Genetics (formerly Invitae), Labcorp
Classification: Uncertain significance for Ataxia-telangiectasia syndrome. Last evaluated: 2024-10-03. Review status: criteria provided, single submitter. Criteria: Invitae Variant Classification Sherloc (09022015). Collection method: clinical testing. Allele origin: germline.
Comment: This sequence change replaces serine, which is neutral and polar, with glycine, which is neutral and non-polar, at codon 2215 of the ATM protein (p.Ser2215Gly). This variant is not present in population databases (gnomAD no frequency). This variant has not been reported in the literature in individuals affected with ATM-related conditions. ClinVar contains an entry for this variant (Variation ID: 181883). Invitae Evidence Modeling of protein sequence and biophysical properties (such as structural, functional, and spatial information, amino acid conservation, physicochemical variation, residue mobility, and thermodynamic stability) indicates that this missense variant is not expected to disrupt ATM protein function with a negative predictive value of 95%. In summary, the available evidence is currently insufficient to determine the role of this variant in disease. Therefore, it has been classified as a Variant of Uncertain Significance.

Ambry Genetics
Classification: Uncertain significance for Hereditary cancer-predisposing syndrome. Last evaluated: 2024-08-09. Review status: criteria provided, single submitter. Criteria: Ambry Variant Classification Scheme 2023. Collection method: clinical testing. Allele origin: germline.
Comment: The p.S2215G variant (also known as c.6643A>G), located in coding exon 45 of the ATM gene, results from an A to G substitution at nucleotide position 6643. The serine at codon 2215 is replaced by glycine, an amino acid with similar properties. This amino acid position is well conserved in available vertebrate species. In addition, the in silico prediction for this alteration is inconclusive. Based on the available evidence, the clinical significance of this variant remains unclear.

GeneDx
Classification: Uncertain significance. Last evaluated: 2024-03-01. Review status: criteria provided, single submitter. Criteria: GeneDx Variant Classification Process June 2021. Collection method: clinical testing. Allele origin: germline. Affected: yes.
Comment: Not observed at significant frequency in large population cohorts (gnomAD); In silico analysis supports that this missense variant does not alter protein structure/function; Has not been previously published as pathogenic or benign to our knowledge; This variant is associated with the following publications: (PMID: 23532176)